The following is an entry in ClinVar:

NM_015602.4(TOR1AIP1):c.101C>A (p.Pro34His)

Genes: TOR1AIP1 (torsin 1A interacting protein 1; plus strand), LOC112577517 (Sharpr-MPRA regulatory region 13766; plus strand). Cytogenetic location: 1q25.2.
Variant type: single nucleotide variant.
Coding change: c.101C>A on transcript NM_015602.4 (MANE Select); coding-DNA position 101, C replaced by A.
Protein change: p.Pro34His; replaces proline 34 with histidine.
Molecular consequence: missense variant.
Genome position (GRCh38, 1-based): chr1:179,882,603, C>A. VCF-style: chr1-179882603-C-A. GRCh37 (hg19) VCF-style: chr1-179851738-C-A.
Other names: c.101C>A (NM_001267578.1); c.101C>A, p.Pro34His (NM_001267578.2); short protein forms P34H.
Identifiers: ClinVar variation 1466237 (VCV001466237.9), dbSNP rs771167764, ClinGen allele CA1268651.
Genomic context (GRCh38, chr1:179,882,603, plus strand): 5'-GATGGGGTGTGTACGTCACCCCCAGGGCCCCCATCCGAGAGGGAAGGGGCCGGCTCGCCC[C>A]TCAAAATGGCGGCAGCAGCGATGCGCCTGCGTACAGAACTCCTCCGTCGCGCCAGGGCCG-3'
Protein context (NP_056417.2, residues 24-44): PIREGRGRLA[Pro34His]QNGGSSDAPA

ClinVar aggregate classification (germline): Uncertain significance. Review status: criteria provided, multiple submitters, no conflicts (2 of 4 stars). 2 submissions from 2 submitters: Uncertain significance (2). Last evaluated 2025-08-17.

Conditions:
Autosomal recessive limb-girdle muscular dystrophy type 2Y (MRRSDC). Also called: Muscular dystrophy, autosomal recessive, with rigid spine and distal joint contractures; Muscular dystrophy, limb-girdle, type 2y. Identifiers: Orphanet 424261, MedGen C4511482, MONDO:0014900, OMIM 617072.

Allele frequency attached by ClinVar (database versions not stated): gnomAD exomes 0.00004; TOPMed 0.00001; gnomAD 0.00001; ExAC 0.00006.
gnomAD v4.1: 15 of 1,528,286 alleles (0.00098%); highest among the groups gnomAD compares: Middle Eastern, 0.018%; no homozygotes.

Submissions (2):

Labcorp Genetics (formerly Invitae), Labcorp
Classification: Uncertain significance for Autosomal recessive limb-girdle muscular dystrophy type 2Y. Last evaluated: 2025-08-17. Review status: criteria provided, single submitter. Criteria: Invitae Variant Classification Sherloc (09022015). Collection method: clinical testing. Allele origin: germline.
Comment: This sequence change replaces proline, which is neutral and non-polar, with histidine, which is basic and polar, at codon 34 of the TOR1AIP1 protein (p.Pro34His). This variant is present in population databases (rs771167764, gnomAD 0.009%). This variant has not been reported in the literature in individuals affected with TOR1AIP1-related conditions. ClinVar contains an entry for this variant (Variation ID: 1466237). An algorithm developed to predict the effect of missense changes on protein structure and function (PolyPhen-2) suggests that this variant is likely to be disruptive. In summary, the available evidence is currently insufficient to determine the role of this variant in disease. Therefore, it has been classified as a Variant of Uncertain Significance.

Revvity Omics, Revvity
Classification: Uncertain significance. Last evaluated: 2024-07-17. Review status: criteria provided, single submitter. Criteria: ACMG Guidelines, 2015. Collection method: clinical testing. Allele origin: germline.